The following is an entry in ClinVar:

NM_001037.5(SCN1B):c.229G>A (p.Val77Met)

Gene: SCN1B (sodium voltage-gated channel beta subunit 1; plus strand). Cytogenetic location: 19q13.11.
Variant type: single nucleotide variant.
Coding change: c.229G>A on transcript NM_001037.5 (MANE Select); coding-DNA position 229, G replaced by A.
Protein change: p.Val77Met; replaces valine 77 with methionine.
Molecular consequence: missense variant.
Genome position (GRCh38, 1-based): chr19:35,033,520, G>A. VCF-style: chr19-35033520-G-A. GRCh37 (hg19) VCF-style: chr19-35524424-G-A.
Other names: c.130G>A, p.Val44Met (NM_001321605.2); c.229G>A, p.Val77Met (NM_199037.5); short protein forms V44M, V77M.
Identifiers: ClinVar variation 2562704 (VCV002562704.4), dbSNP rs565457053, ClinGen allele CA9371992.
Genomic context (GRCh38, chr19:35,033,520, plus strand): 5'-CCCAGGCAGTGACACCTTCCCCTCCCTGGCTACCCCTAGATCCTGCGCTATGAGAATGAG[G>A]TGTTGCAGCTGGAGGAGGATGAGCGCTTCGAGGGCCGCGTGGTGTGGAATGGCAGCCGGG-3'
Protein context (NP_001028.1, residues 67-87): FVKILRYENE[Val77Met]LQLEEDERFE

ClinVar aggregate classification (germline): Conflicting classifications of pathogenicity. Review status: criteria provided, conflicting classifications (1 of 4 stars). 2 submissions from 2 submitters: Uncertain significance (1); Likely benign (1). Last evaluated 2026-05-28.

Conditions:
Brugada syndrome 5 (BRGDA5). Identifiers: Orphanet 130, Orphanet 871, MedGen C2748541, MONDO:0013015, OMIM 612838.
Cardiovascular phenotype. Identifiers: MedGen CN230736.

Allele frequency attached by ClinVar (database versions not stated): ExAC 0.00001; gnomAD exomes below 0.00001; 1000 Genomes Project 30x 0.00016; 1000 Genomes Project 0.00020.

Submissions (2):

Ambry Genetics
Classification: Likely benign for Cardiovascular phenotype. Last evaluated: 2026-05-28. Review status: criteria provided, single submitter. Criteria: Ambry Variant Classification Scheme 2023. Collection method: clinical testing. Allele origin: germline.

Labcorp Genetics (formerly Invitae), Labcorp
Classification: Uncertain significance for Brugada syndrome 5. Last evaluated: 2025-08-17. Review status: criteria provided, single submitter. Criteria: Invitae Variant Classification Sherloc (09022015). Collection method: clinical testing. Allele origin: germline.
Comment: This sequence change replaces valine, which is neutral and non-polar, with methionine, which is neutral and non-polar, at codon 77 of the SCN1B protein (p.Val77Met). This variant is present in population databases (rs565457053, gnomAD 0.01%). This variant has not been reported in the literature in individuals affected with SCN1B-related conditions. ClinVar contains an entry for this variant (Variation ID: 2562704). An algorithm developed to predict the effect of missense changes on protein structure and function outputs the following: PolyPhen-2: "Benign". The methionine amino acid residue is found in multiple mammalian species, which suggests that this missense change does not adversely affect protein function. In summary, the available evidence is currently insufficient to determine the role of this variant in disease. Therefore, it has been classified as a Variant of Uncertain Significance.